The following is an entry in ClinVar:

NM_001003787.4(STRADA):c.1237G>A (p.Gly413Arg)

Gene: STRADA (STE20 related adaptor alpha; minus strand). Cytogenetic location: 17q23.3.
Variant type: single nucleotide variant.
Coding change: c.1237G>A on transcript NM_001003787.4 (MANE Select); coding-DNA position 1237, G replaced by A.
Protein change: p.Gly413Arg; replaces glycine 413 with arginine.
Molecular consequence: missense variant. On other transcripts: 3 prime UTR variant (7), non-coding transcript variant (1).
Genome position (GRCh38, 1-based): chr17:63,703,658, C>T on the plus strand (G>A on the coding strand, the complement: STRADA is on the minus strand). VCF-style: chr17-63703658-C-T. GRCh37 (hg19) VCF-style: chr17-61781018-C-T.
Other names: c.1126G>A, p.Gly376Arg (NM_001003786.3); c.1063G>A, p.Gly355Arg (NM_001003788.3); c.*114G>A (NM_001165969.2, NM_001165970.2, NM_001363788.1 and 2 more transcripts); c.1213G>A, p.Gly405Arg (NM_001363786.1); c.1150G>A, p.Gly384Arg (NM_001363787.1); c.*26G>A (NM_001363790.1); c.*625G>A (NM_153335.6); short protein forms G405R, G384R, G355R, G376R, G413R.
Identifiers: ClinVar variation 958965 (VCV000958965.5), dbSNP rs373358406, ClinGen allele CA292940681.

ClinVar aggregate classification (germline): Uncertain significance (1 of 4 stars; one submission).

Conditions:
Polyhydramnios, megalencephaly, and symptomatic epilepsy (PMSE). Also called: PMSE SYNDROME. Identifiers: Orphanet 500533, MedGen C1970203, MONDO:0012611, OMIM 611087.

Allele frequency attached by ClinVar (database versions not stated): gnomAD 0.00001; TOPMed 0.00001; gnomAD exomes 0.00002 and 0.00003; ESP Exome Variant Server 0.00008.
gnomAD v4.1: 43 of 1,614,092 alleles (0.0027%); highest among the groups gnomAD compares: Non-Finnish European, 0.0035%; no homozygotes.

Submission:

Labcorp Genetics (formerly Invitae), Labcorp
Classification: Uncertain significance for Polyhydramnios, megalencephaly, and symptomatic epilepsy. Last evaluated: 2022-08-16. Review status: criteria provided, single submitter. Criteria: Invitae Variant Classification Sherloc (09022015). Collection method: clinical testing. Allele origin: germline.
Comment: This sequence change replaces glycine, which is neutral and non-polar, with arginine, which is basic and polar, at codon 413 of the STRADA protein (p.Gly413Arg). This variant is present in population databases (rs373358406, gnomAD 0.005%). This variant has not been reported in the literature in individuals affected with STRADA-related conditions. ClinVar contains an entry for this variant (Variation ID: 958965). Algorithms developed to predict the effect of missense changes on protein structure and function (SIFT, PolyPhen-2, Align-GVGD) all suggest that this variant is likely to be tolerated. In summary, the available evidence is currently insufficient to determine the role of this variant in disease. Therefore, it has been classified as a Variant of Uncertain Significance.